The following is an entry in ClinVar:

NM_000038.6(APC):c.1409-935T>G

Gene: APC (APC regulator of WNT signaling pathway; plus strand). Cytogenetic location: 5q22.2.
Variant type: single nucleotide variant.
Coding change: c.1409-935T>G on transcript NM_000038.6 (MANE Select); 935 bases into the intron before coding-DNA position 1409, T replaced by G.
Molecular consequence: intron variant.
Genome position (GRCh38, 1-based): chr5:112,826,173, T>G. VCF-style: chr5-112826173-T-G. GRCh37 (hg19) VCF-style: chr5-112161870-T-G.
Other names: c.1409-935T>G (NM_001354895.2, NM_001127510.3); c.1439-935T>G (NM_001354897.2); c.1136-935T>G (NM_001354902.2); c.1355-935T>G (NM_001127511.3); c.1334-935T>G (NM_001354898.2); c.1031-935T>G (NM_001354904.2); c.560-935T>G (NM_001354906.2); c.1463-935T>G (NM_001354896.2); and 5 more.
Identifiers: ClinVar variation 83153 (VCV000083153.2), dbSNP rs79411535, ClinGen allele CA005127.
Genomic context (GRCh38, chr5:112,826,173, plus strand): 5'-AGATTCTTCTGCATATTGAACTTCCCAGATCACTTATTAAAAATATTAACGTACTGGCTG[T>G]CTTGCAGATGAATGACCTAATTAGACTTGTAGTATCCAAGAATTGCCTGTTTATATTCAT-3'

ClinVar aggregate classification (germline): other (0 of 4 stars; one submission).

Conditions:
Familial colorectal cancer. Identifiers: MedGen CN280943, MONDO:0023113. Disease mechanism: loss of function.

Allele frequency attached by ClinVar (database versions not stated): TOPMed 0.00001.

Submission:

Systems Biology Platform Zhejiang California International NanoSystems Institute
Classification: other for Familial colorectal cancer. Review status: no assertion criteria provided. Collection method: not provided. Allele origin: unknown.
ClinVar note: Converted during submission from cancer to other.